The following is an entry in ClinVar:

NM_022489.4(INF2):c.1111A>G (p.Ser371Gly)

Gene: INF2 (inverted formin 2; plus strand). Cytogenetic location: 14q32.33.
Variant type: single nucleotide variant.
Coding change: c.1111A>G on transcript NM_022489.4 (MANE Select); coding-DNA position 1111, A replaced by G.
Protein change: p.Ser371Gly; replaces serine 371 with glycine.
Molecular consequence: missense variant.
Genome position (GRCh38, 1-based): chr14:104,707,378, A>G. VCF-style: chr14-104707378-A-G. GRCh37 (hg19) VCF-style: chr14-105173715-A-G.
Other names: c.1111A>G, p.Ser371Gly (NM_001031714.4); short protein forms S371G.
Identifiers: ClinVar variation 1795255 (VCV001795255.5), dbSNP rs2541917719, ClinGen allele CA391215878.

ClinVar aggregate classification (germline): Uncertain significance. Review status: criteria provided, multiple submitters, no conflicts (2 of 4 stars). 2 submissions from 2 submitters: Uncertain significance (2). Last evaluated 2025-02-28.

Conditions:
Focal segmental glomerulosclerosis 5 (FSGS5). Identifiers: Orphanet 656, MedGen C2750475, MONDO:0013191, OMIM 613237.
Charcot-Marie-Tooth disease dominant intermediate E. Also called: CHARCOT-MARIE-TOOTH NEUROPATHY WITH FOCAL SEGMENTAL GLOMERULONEPHRITIS. Identifiers: Orphanet 93114, MedGen C4302667, MONDO:0013758, OMIM 614455.
Inborn genetic diseases. Identifiers: MedGen C0950123, MeSH D030342.

Allele frequency attached by ClinVar (database versions not stated): gnomAD exomes below 0.00001.

Submissions (2):

Labcorp Genetics (formerly Invitae), Labcorp
Classification: Uncertain significance for Charcot-Marie-Tooth disease dominant intermediate E; Focal segmental glomerulosclerosis 5. Last evaluated: 2025-02-28. Review status: criteria provided, single submitter. Criteria: Invitae Variant Classification Sherloc (09022015). Collection method: clinical testing. Allele origin: germline.
Comment: This sequence change replaces serine, which is neutral and polar, with glycine, which is neutral and non-polar, at codon 371 of the INF2 protein (p.Ser371Gly). This variant is not present in population databases (gnomAD no frequency). This variant has not been reported in the literature in individuals affected with INF2-related conditions. ClinVar contains an entry for this variant (Variation ID: 1795255). Invitae Evidence Modeling of protein sequence and biophysical properties (such as structural, functional, and spatial information, amino acid conservation, physicochemical variation, residue mobility, and thermodynamic stability) indicates that this missense variant is not expected to disrupt INF2 protein function with a negative predictive value of 95%. In summary, the available evidence is currently insufficient to determine the role of this variant in disease. Therefore, it has been classified as a Variant of Uncertain Significance.

Ambry Genetics
Classification: Uncertain significance for Inborn genetic diseases. Last evaluated: 2020-12-30. Review status: criteria provided, single submitter. Criteria: Ambry Variant Classification Scheme 2023. Collection method: clinical testing. Allele origin: germline.
Comment: The p.S371G variant (also known as c.1111A>G), located in coding exon 7 of the INF2 gene, results from an A to G substitution at nucleotide position 1111. The serine at codon 371 is replaced by glycine, an amino acid with similar properties. This amino acid position is well conserved in available vertebrate species. In addition, this alteration is predicted to be tolerated by in silico analysis. Since supporting evidence is limited at this time, the clinical significance of this alteration remains unclear.